The following is an entry in ClinVar:

NM_001844.5(COL2A1):c.2501G>A (p.Gly834Glu)

Gene: COL2A1 (collagen type II alpha 1 chain; minus strand). Cytogenetic location: 12q13.11.
Variant type: single nucleotide variant.
Coding change: c.2501G>A on transcript NM_001844.5 (MANE Select); coding-DNA position 2501, G replaced by A.
Protein change: p.Gly834Glu; replaces glycine 834 with glutamic acid.
Molecular consequence: missense variant.
Genome position (GRCh38, 1-based): chr12:47,980,931, C>T on the plus strand (G>A on the coding strand, the complement: COL2A1 is on the minus strand). VCF-style: chr12-47980931-C-T. GRCh37 (hg19) VCF-style: chr12-48374714-C-T.
Other names: c.2294G>A, p.Gly765Glu (NM_033150.3); c.2501G>A (NM_001844.4); short protein forms G834E, G765E.
Identifiers: ClinVar variation 3717053 (VCV003717053.3).

ClinVar aggregate classification (germline): Pathogenic/Likely pathogenic. Review status: criteria provided, multiple submitters, no conflicts (2 of 4 stars). 2 submissions from 2 submitters: Pathogenic (1); Likely pathogenic (1). Last evaluated 2025-06-05.

Submissions (2):

GeneDx
Classification: Pathogenic. Last evaluated: 2025-06-05. Review status: criteria provided, single submitter. Criteria: GeneDx Variant Classification Process June 2021. Collection method: clinical testing. Allele origin: germline. Affected: yes.
Comment: Occurs in the triple helical domain and replaces a glycine in a canonical Gly-X-Y repeat; missense substitution of a canonical glycine residue is expected to disrupt normal protein folding and function, and this is an established mechanism of disease (PMID: 34007986); Not observed at significant frequency in large population cohorts (gnomAD); In silico analysis supports that this missense variant has a deleterious effect on protein structure/function; Has not been previously published as pathogenic or benign to our knowledge; This variant is associated with the following publications: (PMID: 34007986)

Labcorp Genetics (formerly Invitae), Labcorp
Classification: Likely pathogenic. Last evaluated: 2024-09-14. Review status: criteria provided, single submitter. Criteria: Invitae Variant Classification Sherloc (09022015). Collection method: clinical testing. Allele origin: germline.
Comment: This sequence change replaces glycine, which is neutral and non-polar, with glutamic acid, which is acidic and polar, at codon 834 of the COL2A1 protein (p.Gly834Glu). This variant is not present in population databases (gnomAD no frequency). This variant has not been reported in the literature in individuals affected with COL2A1-related conditions. Invitae Evidence Modeling of protein sequence and biophysical properties (such as structural, functional, and spatial information, amino acid conservation, physicochemical variation, residue mobility, and thermodynamic stability) indicates that this missense variant is expected to disrupt COL2A1 protein function with a positive predictive value of 95%. This variant disrupts the triple helix domain of COL2A1. Glycine residues within the Gly-Xaa-Yaa repeats of the triple helix domain are required for the structure and stability of fibrillar collagens (PMID: 7695699, 8218237, 19344236). In COL2A1, variants affecting these glycine residues are significantly enriched in individuals with disease (PMID: 9016532, 17078022) compared to the general population (ExAC). In summary, the currently available evidence indicates that the variant is pathogenic, but additional data are needed to prove that conclusively. Therefore, this variant has been classified as Likely Pathogenic.

Literature cited by the submitters: PubMed 7695699 (cited by Labcorp Genetics (formerly Invitae), Labcorp); PubMed 8218237 (cited by Labcorp Genetics (formerly Invitae), Labcorp); PubMed 19344236 (cited by Labcorp Genetics (formerly Invitae), Labcorp); PubMed 9016532 (cited by Labcorp Genetics (formerly Invitae), Labcorp); PubMed 17078022 (cited by Labcorp Genetics (formerly Invitae), Labcorp).